The following is an entry in ClinVar:

NM_000043.6(FAS):c.617del (p.Asn206fs)

Gene: FAS (Fas cell surface death receptor; plus strand). Cytogenetic location: 10q23.31.
Variant type: Deletion.
Coding change: c.617del on transcript NM_000043.6 (MANE Select); coding-DNA position 617, one base deleted (A; older notation c.617delA).
Protein change: p.Asn206fs; shifts the reading frame from asparagine 206.
Molecular consequence: frameshift variant. On other transcripts: non-coding transcript variant (6), intron variant (1).
Genome position (GRCh38, 1-based): chr10:89,012,047, A deleted; the last of 4 consecutive A bases (chr10:89,012,044-89,012,047); deleting any one gives the same sequence. VCF-style (leftmost placement, unchanged base first): chr10-89012043-GA-G. GRCh37 (hg19) VCF-style: chr10-90771800-GA-G.
Other names: c.554del, p.Asn185fs (NM_152871.4); c.617del, p.Asn206fs (NM_152872.4); c.568+1232del (NM_001320619.2); short protein forms N185fs, N206fs.
Identifiers: ClinVar variation 847065 (VCV000847065.9), dbSNP rs1848558128, ClinGen allele CA916080418.

ClinVar aggregate classification (germline): Pathogenic (1 of 4 stars; one submission).

Conditions:
Autoimmune lymphoproliferative syndrome type 1. Also called: AUTOIMMUNE LYMPHOPROLIFERATIVE SYNDROME, TYPE I, AUTOSOMAL DOMINANT. Identifiers: Orphanet 3261, MedGen C2717884, MONDO:0011158, OMIM 601859.

Submission:

Labcorp Genetics (formerly Invitae), Labcorp
Classification: Pathogenic for Autoimmune lymphoproliferative syndrome. Last evaluated: 2019-12-04. Review status: criteria provided, single submitter. Criteria: Invitae Variant Classification Sherloc (09022015). Collection method: clinical testing. Allele origin: germline.
Comment: This variant has not been reported in the literature in individuals with FAS-related conditions. This variant disrupts the C-terminus of the FAS protein. Other variant(s) that disrupt this region (p.Leu294*) have been determined to be pathogenic (PMID: 10090885, 21490157, 23407489). This suggests that variants that disrupt this region of the protein are likely to be causative of disease. For these reasons, this variant has been classified as Pathogenic. This variant is not present in population databases (ExAC no frequency). This sequence change results in a premature translational stop signal in the FAS gene (p.Asn206Thrfs*10). While this is not anticipated to result in nonsense mediated decay, it is expected to disrupt the last 130 amino acids of the FAS protein.

Literature cited by the submitters: PubMed 10090885; PubMed 21490157; PubMed 23407489.